The following is an entry in ClinVar:

NM_003068.5(SNAI2):c.-82C>A

Gene: SNAI2 (snail family transcriptional repressor 2; minus strand). Cytogenetic location: 8q11.21.
Variant type: single nucleotide variant.
Coding change: c.-82C>A on transcript NM_003068.5 (MANE Select); 82 bases upstream of the start codon, C replaced by A.
Molecular consequence: 5 prime UTR variant.
Genome position (GRCh38, 1-based): chr8:48,921,347, G>T on the plus strand (C>A on the coding strand, the complement: SNAI2 is on the minus strand). VCF-style: chr8-48921347-G-T. GRCh37 (hg19) VCF-style: chr8-49833906-G-T.
Identifiers: ClinVar variation 363272 (VCV000363272.6), dbSNP rs11544359, ClinGen allele CA10627971.

ClinVar aggregate classification (germline): Likely benign. Review status: criteria provided, multiple submitters, no conflicts (2 of 4 stars). 2 submissions from 2 submitters: Likely benign (2). Last evaluated 2018-01-13.

Conditions:
Piebaldism. Also called: Piebald skin depigmentation. Identifiers: Orphanet 2884, MedGen C0080024, MONDO:0008244, OMIM 172800, HP:0007544.

Allele frequency attached by ClinVar (database versions not stated): 1000 Genomes Project 30x 0.00141; 1000 Genomes Project 0.00260; TOPMed 0.00344.
gnomAD v4.1: 1,248 of 1,106,474 alleles (0.11%); highest among the groups gnomAD compares: African/African-American, 0.94%; 5 homozygotes.

Submissions (2):

Illumina Laboratory Services, Illumina
Classification: Likely benign for Piebaldism. Last evaluated: 2018-01-13. Review status: criteria provided, single submitter. Criteria: ICSL Variant Classification Criteria 13 December 2019. Collection method: clinical testing. Allele origin: germline.
Comment: This variant was observed in the ICSL laboratory as part of a predisposition screen in an ostensibly healthy population. It had not been previously curated by ICSL or reported in the Human Gene Mutation Database (HGMD: prior to June 1st, 2018), and was therefore a candidate for classification through an automated scoring system. Utilizing variant allele frequency, disease prevalence and penetrance estimates, and inheritance mode, an automated score was calculated to assess if this variant is too frequent to cause the disease. Based on the score and internal cut-off values, a variant classified as likely benign is not then subjected to further curation. The score for this variant resulted in a classification of likely benign for this disease.

Breakthrough Genomics
Classification: Likely benign. Review status: criteria provided, single submitter. Criteria: ACMG Guidelines, 2015. Collection method: not provided. Allele origin: germline. Inheritance: Autosomal recessive inheritance. Affected: yes.